The following is an entry in ClinVar:

NM_001365276.2(TNXB):c.1016C>G (p.Thr339Arg)

Gene: TNXB (tenascin XB; minus strand). Cytogenetic location: 6p21.33.
Variant type: single nucleotide variant.
Coding change: c.1016C>G on transcript NM_001365276.2 (MANE Select); coding-DNA position 1016, C replaced by G.
Protein change: p.Thr339Arg; replaces threonine 339 with arginine.
Molecular consequence: missense variant.
Genome position (GRCh38, 1-based): chr6:32,096,837, G>C on the plus strand (C>G on the coding strand, the complement: TNXB is on the minus strand). VCF-style: chr6-32096837-G-C. GRCh37 (hg19) VCF-style: chr6-32064614-G-C.
Other names: c.1016C>G, p.Thr339Arg (NM_001428335.1, NM_019105.8); short protein forms T339R.
Identifiers: ClinVar variation 4824396 (VCV004824396.1).

ClinVar aggregate classification (germline): Uncertain significance (1 of 4 stars; one submission).

Conditions:
Cardiovascular phenotype. Identifiers: MedGen CN230736.

gnomAD v4.1: 3 of 1,601,146 alleles (0.00019%); highest among the groups gnomAD compares: Non-Finnish European, 0.00026%; no homozygotes.

Submission:

Ambry Genetics
Classification: Uncertain significance for Cardiovascular phenotype. Last evaluated: 2026-01-17. Review status: criteria provided, single submitter. Criteria: Ambry Variant Classification Scheme 2023. Collection method: clinical testing. Allele origin: germline.
Comment: The p.T339R variant (also known as c.1016C>G), located in coding exon 2 of the TNXB gene, results from a C to G substitution at nucleotide position 1016. The threonine at codon 339 is replaced by arginine, an amino acid with similar properties. This amino acid position is conserved. In addition, this alteration is predicted to be tolerated by in silico analysis. Based on the available evidence, the clinical significance of this variant remains unclear.